The following is an entry in ClinVar:

NM_152641.4(ARID2):c.931A>G (p.Thr311Ala)

Gene: ARID2 (AT-rich interaction domain 2; plus strand). Cytogenetic location: 12q12.
Variant type: single nucleotide variant.
Coding change: c.931A>G on transcript NM_152641.4 (MANE Select); coding-DNA position 931, A replaced by G.
Protein change: p.Thr311Ala; replaces threonine 311 with alanine.
Molecular consequence: missense variant.
Genome position (GRCh38, 1-based): chr12:45,836,899, A>G. VCF-style: chr12-45836899-A-G. GRCh37 (hg19) VCF-style: chr12-46230682-A-G.
Other names: c.931A>G, p.Thr311Ala (NM_001347839.2); short protein forms T311A.
Identifiers: ClinVar variation 3366106 (VCV003366106.1).

ClinVar aggregate classification (germline): Uncertain significance (1 of 4 stars; one submission).

Submission:

GeneDx
Classification: Uncertain significance. Last evaluated: 2023-10-12. Review status: criteria provided, single submitter. Criteria: GeneDx Variant Classification Process June 2021. Collection method: clinical testing. Allele origin: germline. Affected: yes.
Comment: Has not been previously published as pathogenic or benign to our knowledge; Not observed at significant frequency in large population cohorts (gnomAD); In silico analysis supports that this missense variant has a deleterious effect on protein structure/function